The following is an entry in ClinVar:

ClinVar aggregate classification (germline): Uncertain significance (1 of 4 stars; one submission).

Submission:

GeneDx
Classification: Uncertain significance. Last evaluated: 2024-02-29. Review status: criteria provided, single submitter. Criteria: GeneDx Variant Classification Process June 2021. Collection method: clinical testing. Allele origin: germline. Affected: yes.
Comment: Not observed at significant frequency in large population cohorts (gnomAD); In silico analysis supports that this missense variant has a deleterious effect on protein structure/function; Has not been previously published as pathogenic or benign to our knowledge

NM_001330260.2(SCN8A):c.2783T>C (p.Ile928Thr)

Gene: SCN8A (sodium voltage-gated channel alpha subunit 8; plus strand). Cytogenetic location: 12q13.13.
Variant type: single nucleotide variant.
Coding change: c.2783T>C on transcript NM_001330260.2 (MANE Select); coding-DNA position 2783, T replaced by C.
Protein change: p.Ile928Thr; replaces isoleucine 928 with threonine.
Molecular consequence: missense variant.
Genome position (GRCh38, 1-based): chr12:51,765,909, T>C. VCF-style: chr12-51765909-T-C. GRCh37 (hg19) VCF-style: chr12-52159693-T-C.
Other names: c.2783T>C, p.Ile928Thr (NM_001177984.3, NM_001369788.1, NM_014191.4); short protein forms I928T.
Identifiers: ClinVar variation 3378107 (VCV003378107.1).
Genomic context (GRCh38, chr12:51,765,909, plus strand): 5'-TCAACCAGGACTGTGAACTCCCTCGCTGGCATATGCATGACTTTTTCCATTCCTTCCTCA[T>C]TGTCTTTCGAGTGTTGTGCGGGGAGTGGATTGAGACCATGTGGGACTGCATGGAAGTGGC-3'
Protein context (NP_001317189.1, residues 918-938): HMHDFFHSFL[Ile928Thr]VFRVLCGEWI